The following is an entry in ClinVar:

ClinVar aggregate classification (germline): Uncertain significance. Review status: criteria provided, multiple submitters, no conflicts (2 of 4 stars). 2 submissions from 2 submitters: Uncertain significance (2). Last evaluated 2025-08-22.

Conditions:
Cardiovascular phenotype. Identifiers: MedGen CN230736.
Hereditary cancer-predisposing syndrome. Also called: Hereditary Cancer Syndrome; Hereditary neoplastic syndrome; Neoplastic Syndromes, Hereditary; Tumor predisposition. Identifiers: Orphanet 140162, MedGen C0027672, MeSH D009386, MONDO:0015356.
Neurofibromatosis, type 1 (NF1). Also called: VON RECKLINGHAUSEN DISEASE; Peripheral type neurofibromatosis; NEUROFIBROMATOSIS, TYPE I, SOMATIC; Neurofibromatosis, type I. Identifiers: Orphanet 636, MedGen C0027831, MONDO:0018975, OMIM 162200. Disease mechanism: loss of function.

Submissions (2):

Ambry Genetics
Classification: Uncertain significance for Cardiovascular phenotype; Hereditary cancer-predisposing syndrome. Last evaluated: 2025-08-22. Review status: criteria provided, single submitter. Criteria: Ambry Variant Classification Scheme 2023. Collection method: clinical testing. Allele origin: germline.
Comment: The p.V961A variant (also known as c.2882T>C), located in coding exon 22 of the NF1 gene, results from a T to C substitution at nucleotide position 2882. The valine at codon 961 is replaced by alanine, an amino acid with similar properties. This amino acid position is conserved. In addition, the in silico prediction for this alteration is inconclusive. Based on the available evidence, the clinical significance of this variant remains unclear.

Labcorp Genetics (formerly Invitae), Labcorp
Classification: Uncertain significance for Neurofibromatosis, type 1. Last evaluated: 2024-11-09. Review status: criteria provided, single submitter. Criteria: Invitae Variant Classification Sherloc (09022015). Collection method: clinical testing. Allele origin: germline.
Comment: This sequence change replaces valine, which is neutral and non-polar, with alanine, which is neutral and non-polar, at codon 961 of the NF1 protein (p.Val961Ala). This variant is not present in population databases (gnomAD no frequency). This variant has not been reported in the literature in individuals affected with NF1-related conditions. Invitae Evidence Modeling of protein sequence and biophysical properties (such as structural, functional, and spatial information, amino acid conservation, physicochemical variation, residue mobility, and thermodynamic stability) has been performed for this missense variant. However, the output from this modeling did not meet the statistical confidence thresholds required to predict the impact of this variant on NF1 protein function. In summary, the available evidence is currently insufficient to determine the role of this variant in disease. Therefore, it has been classified as a Variant of Uncertain Significance.

NM_001042492.3(NF1):c.2882T>C (p.Val961Ala)

Gene: NF1 (neurofibromin 1; plus strand). Cytogenetic location: 17q11.2.
Variant type: single nucleotide variant.
Coding change: c.2882T>C on transcript NM_001042492.3 (MANE Select); coding-DNA position 2882, T replaced by C.
Protein change: p.Val961Ala; replaces valine 961 with alanine.
Molecular consequence: missense variant.
Genome position (GRCh38, 1-based): chr17:31,229,866, T>C. VCF-style: chr17-31229866-T-C. GRCh37 (hg19) VCF-style: chr17-29556884-T-C.
Other names: c.2882T>C, p.Val961Ala (NM_000267.4); short protein forms V961A.
Identifiers: ClinVar variation 3634518 (VCV003634518.3).